The following is an entry in ClinVar:

ClinVar aggregate classification (germline): Benign/Likely benign. Review status: criteria provided, multiple submitters, no conflicts (2 of 4 stars). 3 submissions from 3 submitters: Benign (1); Likely benign (2). Last evaluated 2025-06-02.

Conditions:
Hereditary cancer-predisposing syndrome. Also called: Neoplastic Syndromes, Hereditary; Tumor predisposition; Hereditary Cancer Syndrome; Hereditary neoplastic syndrome. Identifiers: Orphanet 140162, MedGen C0027672, MeSH D009386, MONDO:0015356.
Tuberous sclerosis 2 (TSC2). Identifiers: Orphanet 805, MedGen C1860707, MONDO:0013199, OMIM 613254.

Submissions (3):

Myriad Genetics, Inc.
Classification: Benign for Tuberous sclerosis 2. Last evaluated: 2025-06-02. Review status: criteria provided, single submitter. Criteria: Myriad Autosomal Dominant, Autosomal Recessive and X-Linked Classification Criteria (2023). Collection method: clinical testing. Allele origin: unknown.
Comment: This variant is considered benign. This variant is a silent/synonymous amino acid change and it is not expected to impact splicing.

Labcorp Genetics (formerly Invitae), Labcorp
Classification: Likely benign for Tuberous sclerosis 2. Last evaluated: 2024-06-23. Review status: criteria provided, single submitter. Criteria: Invitae Variant Classification Sherloc (09022015). Collection method: clinical testing. Allele origin: germline.

Ambry Genetics
Classification: Likely benign for Hereditary cancer-predisposing syndrome. Last evaluated: 2020-11-10. Review status: criteria provided, single submitter. Criteria: Ambry Variant Classification Scheme 2023. Collection method: clinical testing. Allele origin: germline.

NM_000548.5(TSC2):c.4062C>T (p.Gly1354=)

Gene: TSC2 (TSC complex subunit 2; plus strand). Cytogenetic location: 16p13.3.
Variant type: single nucleotide variant.
Coding change: c.4062C>T on transcript NM_000548.5 (MANE Select); coding-DNA position 4062, C replaced by T.
Protein change: p.Gly1354=; no amino-acid change (glycine 1354 retained).
Molecular consequence: synonymous variant. On other transcripts: non-coding transcript variant (5).
Genome position (GRCh38, 1-based): chr16:2,084,284, C>T. VCF-style: chr16-2084284-C-T. GRCh37 (hg19) VCF-style: chr16-2134285-C-T.
Other names: c.3861C>T, p.Gly1287= (NM_001077183.3); c.3993C>T, p.Gly1331= (NM_001114382.3); c.3753C>T, p.Gly1251= (NM_001318827.2); c.3717C>T, p.Gly1239= (NM_001318829.2); c.3330C>T, p.Gly1110= (NM_001318831.2); c.3894C>T, p.Gly1298= (NM_001318832.2); c.3864C>T, p.Gly1288= (NM_001363528.2); c.3930C>T, p.Gly1310= (NM_001370404.1); and 26 more.
Identifiers: ClinVar variation 1737482 (VCV001737482.5), dbSNP rs2151521887, ClinGen allele CA493043105.